The following is an entry in ClinVar:

ClinVar aggregate classification (germline): Uncertain significance. Review status: criteria provided, multiple submitters, no conflicts (2 of 4 stars). 2 submissions from 2 submitters: Uncertain significance (2). Last evaluated 2024-03-28.

Conditions:
Inborn genetic diseases. Identifiers: MedGen C0950123, MeSH D030342.

Allele frequency attached by ClinVar (database versions not stated): ExAC 0.00001; TOPMed 0.00001.

Submissions (2):

Ambry Genetics
Classification: Uncertain significance for Inborn genetic diseases. Last evaluated: 2024-03-28. Review status: criteria provided, single submitter. Criteria: Ambry Variant Classification Scheme 2023. Collection method: clinical testing. Allele origin: germline.

Labcorp Genetics (formerly Invitae), Labcorp
Classification: Uncertain significance. Last evaluated: 2023-10-09. Review status: criteria provided, single submitter. Criteria: Invitae Variant Classification Sherloc (09022015). Collection method: clinical testing. Allele origin: germline.
Comment: This sequence change replaces alanine, which is neutral and non-polar, with aspartic acid, which is acidic and polar, at codon 1267 of the RP1 protein (p.Ala1267Asp). This variant is present in population databases (rs748359417, gnomAD 0.007%). This variant has not been reported in the literature in individuals affected with RP1-related conditions. An algorithm developed to predict the effect of missense changes on protein structure and function (PolyPhen-2) suggests that this variant is likely to be tolerated. In summary, the available evidence is currently insufficient to determine the role of this variant in disease. Therefore, it has been classified as a Variant of Uncertain Significance.

NM_006269.2(RP1):c.3800C>A (p.Ala1267Asp)

Gene: RP1 (RP1 axonemal microtubule associated; plus strand). Cytogenetic location: 8q12.1.
Variant type: single nucleotide variant.
Coding change: c.3800C>A on transcript NM_006269.2 (MANE Select); coding-DNA position 3800, C replaced by A.
Protein change: p.Ala1267Asp; replaces alanine 1267 with aspartic acid.
Molecular consequence: missense variant. On other transcripts: intron variant (1).
Genome position (GRCh38, 1-based): chr8:54,627,682, C>A. VCF-style: chr8-54627682-C-A. GRCh37 (hg19) VCF-style: chr8-55540242-C-A.
Other names: c.787+5394C>A (NM_001375654.1); c.3800C>A (NM_006269.1); short protein forms A1267D.
Identifiers: ClinVar variation 2981160 (VCV002981160.4), dbSNP rs748359417, ClinGen allele CA4751749.
Genomic context (GRCh38, chr8:54,627,682, plus strand): 5'-CTGAAGTCTGTGTTTTGGAAGTGACTTGCTCTCCATGTGAGATGTGCACTGTAAATAAGG[C>A]TTATTCTCCAAAAGAGACATGTAACCCCAGTGACACTTTTTTTCCTAGTGATGGTTATGG-3'
Protein context (NP_006260.1, residues 1257-1277): SPCEMCTVNK[Ala1267Asp]YSPKETCNPS